The following is an entry in ClinVar:

NM_006946.4(SPTBN2):c.3041G>A (p.Arg1014Gln)

Gene: SPTBN2 (spectrin beta, non-erythrocytic 2; minus strand). Cytogenetic location: 11q13.2.
Variant type: single nucleotide variant.
Coding change: c.3041G>A on transcript NM_006946.4 (MANE Select); coding-DNA position 3041, G replaced by A.
Protein change: p.Arg1014Gln; replaces arginine 1014 with glutamine.
Molecular consequence: missense variant.
Genome position (GRCh38, 1-based): chr11:66,701,058, C>T on the plus strand (G>A on the coding strand, the complement: SPTBN2 is on the minus strand). VCF-style: chr11-66701058-C-T. GRCh37 (hg19) VCF-style: chr11-66468529-C-T.
Other names: c.3041G>A (NM_006946.2); short protein forms R1014Q.
Identifiers: ClinVar variation 1361151 (VCV001361151.8), dbSNP rs1005600223, ClinGen allele CA381475947.

ClinVar aggregate classification (germline): Uncertain significance. Review status: criteria provided, multiple submitters, no conflicts (2 of 4 stars). 3 submissions from 3 submitters: Uncertain significance (3). Last evaluated 2025-02-12.

Conditions:
Inborn genetic diseases. Identifiers: MedGen C0950123, MeSH D030342.

Allele frequency attached by ClinVar (database versions not stated): gnomAD 0.00001.
gnomAD v4.1: 9 of 1,610,226 alleles (0.00056%); highest among the groups gnomAD compares: South Asian, 0.0011%; no homozygotes.

Submissions (3):

Ambry Genetics
Classification: Uncertain significance for Inborn genetic diseases. Last evaluated: 2025-02-12. Review status: criteria provided, single submitter. Criteria: Ambry Variant Classification Scheme 2023. Collection method: clinical testing. Allele origin: germline.

Women's Health and Genetics/Laboratory Corporation of America, LabCorp
Classification: Uncertain significance. Last evaluated: 2024-04-08. Review status: criteria provided, single submitter. Criteria: LabCorp Variant Classification Summary - May 2015. Collection method: clinical testing. Allele origin: germline.
Comment: Variant summary: SPTBN2 c.3041G>A (p.Arg1014Gln) results in a conservative amino acid change in the encoded protein sequence. Three of five in-silico tools predict a damaging effect of the variant on protein function. The frequency data for this variant in gnomAD is considered unreliable, as metrics indicate poor data quality at this position. To our knowledge, no occurrence of c.3041G>A in individuals affected with Spinocerebellar Ataxia 5 and no experimental evidence demonstrating its impact on protein function have been reported. ClinVar contains an entry for this variant (Variation ID: 1361151). Based on the evidence outlined above, the variant was classified as uncertain significance.

Labcorp Genetics (formerly Invitae), Labcorp
Classification: Uncertain significance. Last evaluated: 2022-10-13. Review status: criteria provided, single submitter. Criteria: Invitae Variant Classification Sherloc (09022015). Collection method: clinical testing. Allele origin: germline.
Comment: This variant is not present in population databases (gnomAD no frequency). This sequence change replaces arginine, which is basic and polar, with glutamine, which is neutral and polar, at codon 1014 of the SPTBN2 protein (p.Arg1014Gln). This variant has not been reported in the literature in individuals affected with SPTBN2-related conditions. In summary, the available evidence is currently insufficient to determine the role of this variant in disease. Therefore, it has been classified as a Variant of Uncertain Significance. Algorithms developed to predict the effect of sequence changes on RNA splicing suggest that this variant may create or strengthen a splice site. Advanced modeling of protein sequence and biophysical properties (such as structural, functional, and spatial information, amino acid conservation, physicochemical variation, residue mobility, and thermodynamic stability) performed at Invitae indicates that this missense variant is not expected to disrupt SPTBN2 protein function. ClinVar contains an entry for this variant (Variation ID: 1361151).